The following is an entry in ClinVar:

ClinVar aggregate classification (germline): Uncertain significance. Review status: criteria provided, multiple submitters, no conflicts (2 of 4 stars). 4 submissions from 4 submitters: Uncertain significance (4). Last evaluated 2025-11-08.

Allele frequency attached by ClinVar (database versions not stated): gnomAD 0.00001 and 0.00003; ExAC 0.00003; gnomAD exomes 0.00003 and 0.00004; TOPMed 0.00003; ESP Exome Variant Server 0.00015.

Submissions (4):

Ambry Genetics
Classification: Uncertain significance. Last evaluated: 2025-11-08. Review status: criteria provided, single submitter. Criteria: Ambry Variant Classification Scheme 2023. Collection method: clinical testing. Allele origin: germline.

Blueprint Genetics
Classification: Uncertain significance. Last evaluated: 2024-11-12. Review status: criteria provided, single submitter. Criteria: ACMG Guidelines, 2015. Collection method: clinical testing. Allele origin: germline.

Labcorp Genetics (formerly Invitae), Labcorp
Classification: Uncertain significance. Last evaluated: 2024-10-26. Review status: criteria provided, single submitter. Criteria: Invitae Variant Classification Sherloc (09022015). Collection method: clinical testing. Allele origin: germline.
Comment: This sequence change replaces serine, which is neutral and polar, with leucine, which is neutral and non-polar, at codon 232 of the DHX38 protein (p.Ser232Leu). This variant is present in population databases (rs201115361, gnomAD 0.007%). This variant has not been reported in the literature in individuals affected with DHX38-related conditions. ClinVar contains an entry for this variant (Variation ID: 1023421). An algorithm developed to predict the effect of missense changes on protein structure and function (PolyPhen-2) suggests that this variant¬†is likely to be tolerated. In summary, the available evidence is currently insufficient to determine the role of this variant in disease. Therefore, it has been classified as a Variant of Uncertain Significance.

Breakthrough Genomics
Classification: Uncertain significance. Review status: criteria provided, single submitter. Criteria: ACMG Guidelines, 2015. Collection method: not provided. Allele origin: germline. Inheritance: Autosomal recessive inheritance. Affected: yes.

NM_014003.4(DHX38):c.695C>T (p.Ser232Leu)

Gene: DHX38 (DEAH-box helicase 38; plus strand). Cytogenetic location: 16q22.2.
Variant type: single nucleotide variant.
Coding change: c.695C>T on transcript NM_014003.4 (MANE Select); coding-DNA position 695, C replaced by T.
Protein change: p.Ser232Leu; replaces serine 232 with leucine.
Molecular consequence: missense variant.
Genome position (GRCh38, 1-based): chr16:72,098,723, C>T. VCF-style: chr16-72098723-C-T. GRCh37 (hg19) VCF-style: chr16-72132622-C-T.
Other names: c.695C>T (NM_014003.3); short protein forms S232L.
Identifiers: ClinVar variation 1023421 (VCV001023421.8), dbSNP rs201115361, ClinGen allele CA8160042.